The following is an entry in ClinVar:

ClinVar aggregate classification (germline): Uncertain significance (1 of 4 stars; one submission).

Submission:

Labcorp Genetics (formerly Invitae), Labcorp
Classification: Uncertain significance. Last evaluated: 2024-03-16. Review status: criteria provided, single submitter. Criteria: Invitae Variant Classification Sherloc (09022015). Collection method: clinical testing. Allele origin: germline.
Comment: This sequence change replaces lysine, which is basic and polar, with glutamine, which is neutral and polar, at codon 559 of the SLC1A2 protein (p.Lys559Gln). This variant is not present in population databases (gnomAD no frequency). This variant has not been reported in the literature in individuals affected with SLC1A2-related conditions. An algorithm developed to predict the effect of missense changes on protein structure and function (PolyPhen-2) suggests that this variant is likely to be tolerated. In summary, the available evidence is currently insufficient to determine the role of this variant in disease. Therefore, it has been classified as a Variant of Uncertain Significance.

NM_004171.4(SLC1A2):c.1675A>C (p.Lys559Gln)

Gene: SLC1A2 (solute carrier family 1 member 2; minus strand). Cytogenetic location: 11p13.
Variant type: single nucleotide variant.
Coding change: c.1675A>C on transcript NM_004171.4 (MANE Select); coding-DNA position 1675, A replaced by C.
Protein change: p.Lys559Gln; replaces lysine 559 with glutamine.
Molecular consequence: missense variant.
Genome position (GRCh38, 1-based): chr11:35,260,944, T>G on the plus strand (A>C on the coding strand, the complement: SLC1A2 is on the minus strand). VCF-style: chr11-35260944-T-G. GRCh37 (hg19) VCF-style: chr11-35282491-T-G.
Other names: c.1648A>C, p.Lys550Gln (NM_001195728.3, NM_001252652.2); short protein forms K550Q, K559Q.
Identifiers: ClinVar variation 3621188 (VCV003621188.2).